The following is an entry in ClinVar:

NM_022089.4(ATP13A2):c.2995G>A (p.Val999Met)

Gene: ATP13A2 (ATPase cation transporting 13A2; minus strand). Cytogenetic location: 1p36.13.
Variant type: single nucleotide variant.
Coding change: c.2995G>A on transcript NM_022089.4 (MANE Select); coding-DNA position 2995, G replaced by A.
Protein change: p.Val999Met; replaces valine 999 with methionine.
Molecular consequence: missense variant.
Genome position (GRCh38, 1-based): chr1:16,987,134, C>T on the plus strand (G>A on the coding strand, the complement: ATP13A2 is on the minus strand). VCF-style: chr1-16987134-C-T. GRCh37 (hg19) VCF-style: chr1-17313629-C-T.
Other names: c.2980G>A, p.Val994Met (NM_001141973.3); c.2863G>A, p.Val955Met (NM_001141974.3); short protein forms V999M, V955M, V994M.
Identifiers: ClinVar variation 643225 (VCV000643225.9), dbSNP rs764162255, ClinGen allele CA636644.

ClinVar aggregate classification (germline): Conflicting classifications of pathogenicity. Review status: criteria provided, conflicting classifications (1 of 4 stars). 2 submissions from 2 submitters: Uncertain significance (1); Likely benign (1). Last evaluated 2024-11-05.

Conditions:
Kufor-Rakeb syndrome (KRS). Also called: PARKINSON DISEASE 9, AUTOSOMAL RECESSIVE, JUVENILE-ONSET. Identifiers: Orphanet 306674, Orphanet 314632, MedGen C1847640, MONDO:0011706, OMIM 606693.
Autosomal recessive spastic paraplegia type 78. Identifiers: Orphanet 513436, MedGen C5567893, MONDO:0014975, OMIM 617225.
Inborn genetic diseases. Identifiers: MedGen C0950123, MeSH D030342.

Allele frequency attached by ClinVar (database versions not stated): gnomAD 0.00001; TOPMed 0.00002; ExAC 0.00003.
gnomAD v4.1: 57 of 1,612,906 alleles (0.0035%); highest among the groups gnomAD compares: Admixed American, 0.042%; no homozygotes.

Submissions (2):

Labcorp Genetics (formerly Invitae), Labcorp
Classification: Uncertain significance for Kufor-Rakeb syndrome; Autosomal recessive spastic paraplegia type 78. Last evaluated: 2024-11-05. Review status: criteria provided, single submitter. Criteria: Invitae Variant Classification Sherloc (09022015). Collection method: clinical testing. Allele origin: germline.
Comment: This sequence change replaces valine, which is neutral and non-polar, with methionine, which is neutral and non-polar, at codon 999 of the ATP13A2 protein (p.Val999Met). This variant is present in population databases (rs764162255, gnomAD 0.06%). This variant has not been reported in the literature in individuals affected with ATP13A2-related conditions. ClinVar contains an entry for this variant (Variation ID: 643225). Invitae Evidence Modeling of protein sequence and biophysical properties (such as structural, functional, and spatial information, amino acid conservation, physicochemical variation, residue mobility, and thermodynamic stability) indicates that this missense variant is not expected to disrupt ATP13A2 protein function with a negative predictive value of 80%. In summary, the available evidence is currently insufficient to determine the role of this variant in disease. Therefore, it has been classified as a Variant of Uncertain Significance.

Ambry Genetics
Classification: Likely benign for Inborn genetic diseases. Last evaluated: 2024-04-24. Review status: criteria provided, single submitter. Criteria: Ambry Variant Classification Scheme 2023. Collection method: clinical testing. Allele origin: germline.